The following is an entry in ClinVar:

NC_000012.12:g.40486654A>G

Gene: MUC19 (mucin 19, oligomeric (gene/pseudogene); plus strand). Cytogenetic location: 12q12.
Variant type: single nucleotide variant.
Genome position: GRCh38 VCF-style: chr12-40486654-A-G. GRCh37 (hg19) VCF-style: chr12-40880456-A-G.
Identifiers: ClinVar variation 3771515 (VCV003771515.13).
Genomic context (GRCh38, chr12:40,486,654, plus strand): 5'-AGTCACAGGGACAACTGGACCATCAGGTGGAGTGACAGGGACAAATGGACTATCAGCTGA[A>G]GTGACAGGAACAACTGGCCCATCAGCTGAAGTGACAGGGCTACCTGGAGTATCAGCTGGG-3'

ClinVar aggregate classification (germline): Likely benign (1 of 4 stars; one submission).

Submission:

CeGaT Center for Human Genetics Tuebingen
Classification: Likely benign. Last evaluated: 2025-02-01. Review status: criteria provided, single submitter. Criteria: CeGaT Center For Human Genetics Tuebingen Variant Classification Criteria Version 2. Collection method: clinical testing. Allele origin: germline. Affected: yes. Observed: 1 variant allele.
Comment: MUC19: BP4, BP7